The following is an entry in ClinVar:

NM_000146.4(FTL):c.466G>A (p.Gly156Ser)

Gene: FTL (ferritin light chain; plus strand). Cytogenetic location: 19q13.33.
Variant type: single nucleotide variant.
Coding change: c.466G>A on transcript NM_000146.4 (MANE Select); coding-DNA position 466, G replaced by A.
Protein change: p.Gly156Ser; replaces glycine 156 with serine.
Molecular consequence: missense variant.
Genome position (GRCh38, 1-based): chr19:48,966,673, G>A. VCF-style: chr19-48966673-G-A. GRCh37 (hg19) VCF-style: chr19-49469930-G-A.
Other names: short protein forms G156S.
Identifiers: ClinVar variation 948940 (VCV000948940.13), dbSNP rs151265703, ClinGen allele CA9562582.

ClinVar aggregate classification (germline): Uncertain significance. Review status: criteria provided, multiple submitters, no conflicts (2 of 4 stars). 4 submissions from 4 submitters: Uncertain significance (4). Last evaluated 2025-09-02.

Conditions:
FTL-related disorder. Also called: FTL-related condition.
Hereditary hyperferritinemia with congenital cataracts. Also called: Hereditary hyperferritinemia cataract syndrome; Bonneau-Beaumont syndrome; HYPERFERRITINEMIA WITH OR WITHOUT CATARACT. Identifiers: Orphanet 163, MedGen C1833213, MONDO:0010952, OMIM 600886.
Neuroferritinopathy (NBIA3). Also called: NEURODEGENERATION WITH BRAIN IRON ACCUMULATION 3; BASAL GANGLIA DISEASE, ADULT-ONSET. Identifiers: Orphanet 157846, MedGen C1853578, MONDO:0011638, OMIM 606159.
Inborn genetic diseases. Identifiers: MedGen C0950123, MeSH D030342.

Allele frequency attached by ClinVar (database versions not stated): ExAC 0.00002; gnomAD 0.00002; TOPMed 0.00002; gnomAD exomes 0.00003 and 0.00009; ESP Exome Variant Server 0.00008.

Submissions (4):

Women's Health and Genetics/Laboratory Corporation of America, LabCorp
Classification: Uncertain significance. Last evaluated: 2025-09-02. Review status: criteria provided, single submitter. Criteria: LabCorp Variant Classification Summary - May 2015. Collection method: clinical testing. Allele origin: germline.
Comment: Variant summary: FTL c.466G>A (p.Gly156Ser) results in a non-conservative amino acid change in the encoded protein sequence. Algorithms developed to predict the effect of missense changes on protein structure and function are either unavailable or do not agree on the potential impact of this missense change. The variant allele was found at a frequency of 2.8e-05 in 251410 control chromosomes. The available data on variant occurrences in the general population are insufficient to allow any conclusion about variant significance. To our knowledge, no occurrence of c.466G>A in individuals affected with FTL-related conditions and no experimental evidence demonstrating its impact on protein function have been reported. ClinVar contains an entry for this variant (Variation ID: 948940). Based on the evidence outlined above, the variant was classified as uncertain significance.

Ambry Genetics
Classification: Uncertain significance for Inborn genetic diseases. Last evaluated: 2025-08-20. Review status: criteria provided, single submitter. Criteria: Ambry Variant Classification Scheme 2023. Collection method: clinical testing. Allele origin: germline.

PreventionGenetics, part of Exact Sciences
Classification: Uncertain significance for FTL-related condition. Last evaluated: 2024-12-19. Review status: criteria provided, single submitter. Criteria: ACMG Guidelines, 2015. Collection method: clinical testing. Allele origin: germline.
Comment: The FTL c.466G>A variant is predicted to result in the amino acid substitution p.Gly156Ser. To our knowledge, this variant has not been reported in the literature. This variant is reported in 0.0062% of alleles in individuals of European (Non-Finnish) descent in gnomAD. At this time, the clinical significance of this variant is uncertain due to the absence of conclusive functional and genetic evidence.

Labcorp Genetics (formerly Invitae), Labcorp
Classification: Uncertain significance for Neuroferritinopathy; Hereditary hyperferritinemia with congenital cataracts. Last evaluated: 2023-08-27. Review status: criteria provided, single submitter. Criteria: Invitae Variant Classification Sherloc (09022015). Collection method: clinical testing. Allele origin: germline.
Comment: In summary, the available evidence is currently insufficient to determine the role of this variant in disease. Therefore, it has been classified as a Variant of Uncertain Significance. Algorithms developed to predict the effect of missense changes on protein structure and function output the following: SIFT: "Not Available"; PolyPhen-2: "Benign"; Align-GVGD: "Not Available". The serine amino acid residue is found in multiple mammalian species, which suggests that this missense change does not adversely affect protein function. ClinVar contains an entry for this variant (Variation ID: 948940). This variant has not been reported in the literature in individuals affected with FTL-related conditions. This variant is present in population databases (rs151265703, gnomAD 0.005%). This sequence change replaces glycine, which is neutral and non-polar, with serine, which is neutral and polar, at codon 156 of the FTL protein (p.Gly156Ser).